The following is an entry in ClinVar:

ClinVar aggregate classification (germline): Uncertain significance. Review status: criteria provided, multiple submitters, no conflicts (2 of 4 stars). 2 submissions from 2 submitters: Uncertain significance (2). Last evaluated 2024-08-04.

Conditions:
Tuberous sclerosis 2 (TSC2). Identifiers: Orphanet 805, MedGen C1860707, MONDO:0013199, OMIM 613254.
Hereditary cancer-predisposing syndrome. Also called: Tumor predisposition; Hereditary neoplastic syndrome; Neoplastic Syndromes, Hereditary; Hereditary Cancer Syndrome. Identifiers: Orphanet 140162, MedGen C0027672, MeSH D009386, MONDO:0015356.

Submissions (2):

Labcorp Genetics (formerly Invitae), Labcorp
Classification: Uncertain significance for Tuberous sclerosis 2. Last evaluated: 2024-08-04. Review status: criteria provided, single submitter. Criteria: Invitae Variant Classification Sherloc (09022015). Collection method: clinical testing. Allele origin: germline.
Comment: This sequence change replaces lysine, which is basic and polar, with arginine, which is basic and polar, at codon 1180 of the TSC2 protein (p.Lys1180Arg). This variant is not present in population databases (gnomAD no frequency). This variant has not been reported in the literature in individuals affected with TSC2-related conditions. ClinVar contains an entry for this variant (Variation ID: 2561950). Advanced modeling of protein sequence and biophysical properties (such as structural, functional, and spatial information, amino acid conservation, physicochemical variation, residue mobility, and thermodynamic stability) performed at Invitae indicates that this missense variant is not expected to disrupt TSC2 protein function with a negative predictive value of 95%. In summary, the available evidence is currently insufficient to determine the role of this variant in disease. Therefore, it has been classified as a Variant of Uncertain Significance.

Ambry Genetics
Classification: Uncertain significance for Hereditary cancer-predisposing syndrome. Last evaluated: 2023-06-03. Review status: criteria provided, single submitter. Criteria: Ambry Variant Classification Scheme 2023. Collection method: clinical testing. Allele origin: germline.
Comment: The p.K1180R variant (also known as c.3539A>G), located in coding exon 29 of the TSC2 gene, results from an A to G substitution at nucleotide position 3539. The lysine at codon 1180 is replaced by arginine, an amino acid with highly similar properties. This amino acid position is conserved. In addition, the in silico prediction for this alteration is inconclusive. Since supporting evidence is limited at this time, the clinical significance of this alteration remains unclear.

NM_000548.5(TSC2):c.3539A>G (p.Lys1180Arg)

Gene: TSC2 (TSC complex subunit 2; plus strand). Cytogenetic location: 16p13.3.
Variant type: single nucleotide variant.
Coding change: c.3539A>G on transcript NM_000548.5 (MANE Select); coding-DNA position 3539, A replaced by G.
Protein change: p.Lys1180Arg; replaces lysine 1180 with arginine.
Molecular consequence: missense variant. On other transcripts: non-coding transcript variant (5).
Genome position (GRCh38, 1-based): chr16:2,080,306, A>G. VCF-style: chr16-2080306-A-G. GRCh37 (hg19) VCF-style: chr16-2130307-A-G.
Other names: c.3389A>G, p.Lys1130Arg (NM_001406676.1); c.3350A>G, p.Lys1117Arg (NM_001406677.1); c.3296A>G, p.Lys1099Arg (NM_001406678.1); c.3260A>G, p.Lys1087Arg (NM_001406679.1); c.2939A>G, p.Lys980Arg (NM_001406680.1, NM_001406682.1, NM_001406683.1); c.2948A>G, p.Lys983Arg (NM_001406681.1); c.2936A>G, p.Lys979Arg (NM_001406684.1); c.2810A>G, p.Lys937Arg (NM_001406685.1, NM_001406686.1); and 18 more; short protein forms K1087R, K1130R, K1136R, K1137R, K1143R, K1167R, K732R, K979R.
Identifiers: ClinVar variation 2561950 (VCV002561950.5), dbSNP rs2151460453, ClinGen allele CA394289457.